The following is an entry in ClinVar:

NM_014991.6(WDFY3):c.10147+2T>C

Gene: WDFY3 (WD repeat and FYVE domain containing 3; minus strand). Cytogenetic location: 4q21.23.
Variant type: single nucleotide variant.
Coding change: c.10147+2T>C on transcript NM_014991.6 (MANE Select); the canonical splice donor site of the intron after coding-DNA position 10147, T replaced by C.
Molecular consequence: splice donor variant.
Genome position (GRCh38, 1-based): chr4:84,678,917, A>G on the plus strand (T>C on the coding strand, the complement: WDFY3 is on the minus strand). VCF-style: chr4-84678917-A-G. GRCh37 (hg19) VCF-style: chr4-85600070-A-G.
Identifiers: ClinVar variation 2430873 (VCV002430873.2), dbSNP rs2530370335, ClinGen allele CA357265743.

ClinVar aggregate classification (germline): Uncertain significance (1 of 4 stars; one submission).

Allele frequency attached by ClinVar (database versions not stated): gnomAD exomes below 0.00001.
gnomAD v4.1: 2 of 1,608,524 alleles (0.00012%); highest among the groups gnomAD compares: Middle Eastern, 0.017%; no homozygotes.

Submission:

GeneDx
Classification: Uncertain significance. Last evaluated: 2023-10-12. Review status: criteria provided, single submitter. Criteria: GeneDx Variant Classification Process June 2021. Collection method: clinical testing. Allele origin: germline.
Comment: Identified in a patient with microcephaly, failure to thrive, speech delay, dysmorphic features, and diaphragmatic eventration in published literature, but familial segregation information was not provided (Monies et al., 2019); Canonical splice site variant expected to result in aberrant splicing, although in the absence of functional evidence the actual effect of this sequence change is unknown.; This variant is associated with the following publications: (PMID: 31130284)